The following is an entry in ClinVar:

ClinVar aggregate classification (germline): Likely benign (0 of 4 stars; one submission).

Conditions:
ISM1-related disorder. Also called: ISM1-related condition.

Allele frequency attached by ClinVar (database versions not stated): gnomAD 0.00013; TOPMed 0.00014; ESP Exome Variant Server 0.00016; ExAC 0.00017; gnomAD exomes 0.00029.
gnomAD v4.1: 454 of 1,613,884 alleles (0.028%); highest among the groups gnomAD compares: Non-Finnish European, 0.035%; no homozygotes.

Submission:

PreventionGenetics, part of Exact Sciences
Classification: Likely benign for ISM1-related condition. Last evaluated: 2021-12-24. Review status: no assertion criteria provided. Collection method: clinical testing. Allele origin: germline.
Comment: This variant is classified as likely benign based on ACMG/AMP sequence variant interpretation guidelines (Richards et al. 2015 PMID: 25741868, with internal and published modifications).

NM_080826.2(ISM1):c.252G>A (p.Pro84=)

Genes: ISM1 (isthmin 1; plus strand), TASP1 (taspase 1; minus strand). Cytogenetic location: 20p12.1.
Variant type: single nucleotide variant.
Coding change: c.252G>A on transcript NM_080826.2 (MANE Select); coding-DNA position 252, G replaced by A.
Protein change: p.Pro84=; no amino-acid change (proline 84 retained).
Molecular consequence: synonymous variant.
Genome position (GRCh38, 1-based): chr20:13,270,617, G>A. VCF-style: chr20-13270617-G-A. GRCh37 (hg19) VCF-style: chr20-13251264-G-A.
Identifiers: ClinVar variation 3040070 (VCV003040070.2), dbSNP rs376195260, ClinGen allele CA9766165.